The following is an entry in ClinVar:

NM_025074.7(FRAS1):c.11227A>G (p.Ile3743Val)

Gene: FRAS1 (Fraser extracellular matrix complex subunit 1; plus strand). Cytogenetic location: 4q21.21.
Variant type: single nucleotide variant.
Coding change: c.11227A>G on transcript NM_025074.7 (MANE Select); coding-DNA position 11227, A replaced by G.
Protein change: p.Ile3743Val; replaces isoleucine 3743 with valine.
Molecular consequence: missense variant.
Genome position (GRCh38, 1-based): chr4:78,537,129, A>G. VCF-style: chr4-78537129-A-G. GRCh37 (hg19) VCF-style: chr4-79458283-A-G.
Other names: short protein forms I3743V.
Identifiers: ClinVar variation 235763 (VCV000235763.41), dbSNP rs35370270, ClinGen allele CA2979170.
Genomic context (GRCh38, chr4:78,537,129, plus strand): 5'-AAAGTCTATCTTTGTACGGGCAAGGATGGTTATGTGCCTTTCTTTGATCCCACGGGGACA[A>G]TCTACAATGAAGGGCCCCAGTATGGATGCATTCAGCCAAACAAACACCTAAAACACAGAT-3'
Protein context (NP_079350.5, residues 3733-3753): YVPFFDPTGT[Ile3743Val]YNEGPQYGCI

ClinVar aggregate classification (germline): Conflicting classifications of pathogenicity. Review status: criteria provided, conflicting classifications (1 of 4 stars). 8 submissions from 8 submitters: Uncertain significance (1); Benign (4); Likely benign (1). 2 of the submissions do not count toward it. Last evaluated 2026-01-28.

Conditions:
Inborn genetic diseases. Identifiers: MedGen C0950123, MeSH D030342.

Allele frequency attached by ClinVar (database versions not stated): gnomAD exomes 0.00031 and 0.00080; ExAC 0.00089; ESP Exome Variant Server 0.00301; gnomAD 0.00330 and 0.00355; 1000 Genomes Project 0.00339; 1000 Genomes Project 30x 0.00344; TOPMed 0.00366.
gnomAD v4.1: 975 of 1,614,026 alleles (0.06%); highest among the groups gnomAD compares: African/African-American, 1.1%; 7 homozygotes.

Submissions (8):

Labcorp Genetics (formerly Invitae), Labcorp
Classification: Benign. Last evaluated: 2026-01-28. Review status: criteria provided, single submitter. Criteria: Invitae Variant Classification Sherloc (09022015). Collection method: clinical testing. Allele origin: germline.

Blueprint Genetics
Classification: Likely benign. Last evaluated: 2024-10-08. Review status: criteria provided, single submitter. Criteria: ACMG Guidelines, 2015. Collection method: clinical testing. Allele origin: germline.

CeGaT Center for Human Genetics Tuebingen
Classification: Benign. Last evaluated: 2024-01-01. Review status: criteria provided, single submitter. Criteria: CeGaT Center For Human Genetics Tuebingen Variant Classification Criteria Version 2. Collection method: clinical testing. Allele origin: germline. Affected: yes. Observed: 1 variant allele.
Comment: FRAS1: BS1, BS2

Ambry Genetics
Classification: Uncertain significance for Inborn genetic diseases. Last evaluated: 2021-07-14. Review status: criteria provided, single submitter. Criteria: Ambry Variant Classification Scheme 2023. Collection method: clinical testing. Allele origin: germline.

Center for Pediatric Genomic Medicine, Children's Mercy Hospital and Clinics
Classification: Benign. Last evaluated: 2015-06-04. Review status: criteria provided, single submitter. Criteria: ACMG Guidelines, 2015. Collection method: clinical testing. Allele origin: germline.

Breakthrough Genomics
Classification: Benign. Review status: criteria provided, single submitter. Criteria: ACMG Guidelines, 2015. Collection method: not provided. Allele origin: germline. Inheritance: Autosomal recessive inheritance. Affected: yes.

Clinical Genetics DNA and cytogenetics Diagnostics Lab, Erasmus MC, Erasmus Medical Center
Classification: Likely benign. Review status: no assertion criteria provided. Collection method: clinical testing. Allele origin: germline. Affected: yes. Study: VKGL Data-share Consensus. Not counted in ClinVar's aggregate classification.

Laboratory of Diagnostic Genome Analysis, Leiden University Medical Center (LUMC)
Classification: Likely benign. Review status: no assertion criteria provided. Collection method: clinical testing. Allele origin: germline. Affected: yes. Study: VKGL Data-share Consensus. Not counted in ClinVar's aggregate classification.